The following is an entry in ClinVar:

ClinVar aggregate classification (germline): Uncertain significance (1 of 4 stars; one submission).

Conditions:
Hereditary cancer-predisposing syndrome. Also called: Neoplastic Syndromes, Hereditary; Tumor predisposition; Hereditary Cancer Syndrome; Hereditary neoplastic syndrome. Identifiers: Orphanet 140162, MedGen C0027672, MeSH D009386, MONDO:0015356.

gnomAD v4.1: 1 of 1,469,028 alleles (0.000068%); no homozygotes.

Submission:

Ambry Genetics
Classification: Uncertain significance for Hereditary cancer-predisposing syndrome. Last evaluated: 2026-03-02. Review status: criteria provided, single submitter. Criteria: Ambry Variant Classification Scheme 2023. Collection method: clinical testing. Allele origin: germline.
Comment: The p.G676D variant (also known as c.2027G>A), located in coding exon 18 of the TSC2 gene, results from a G to A substitution at nucleotide position 2027. The glycine at codon 676 is replaced by aspartic acid, an amino acid with similar properties. This amino acid position is conserved. In addition, the in silico prediction for this alteration is inconclusive. Since supporting evidence is limited at this time, the clinical significance of this alteration remains unclear.

NM_000548.5(TSC2):c.2027G>A (p.Gly676Asp)

Gene: TSC2 (TSC complex subunit 2; plus strand). Cytogenetic location: 16p13.3.
Variant type: single nucleotide variant.
Coding change: c.2027G>A on transcript NM_000548.5 (MANE Select); coding-DNA position 2027, G replaced by A.
Protein change: p.Gly676Asp; replaces glycine 676 with aspartic acid.
Molecular consequence: missense variant. On other transcripts: non-coding transcript variant (5).
Genome position (GRCh38, 1-based): chr16:2,071,864, G>A. VCF-style: chr16-2071864-G-A. GRCh37 (hg19) VCF-style: chr16-2121865-G-A.
Other names: c.2027G>A, p.Gly676Asp (NM_001077183.3, NM_001114382.3, NM_001363528.2 and 6 more transcripts); c.1916G>A, p.Gly639Asp (NM_001318827.2, NM_001406670.1, NM_001406678.1); c.1880G>A, p.Gly627Asp (NM_001318829.2, NM_001406675.1, NM_001406676.1 and 1 more transcripts); c.1427G>A, p.Gly476Asp (NM_001318831.2, NM_001406685.1, NM_001406686.1 and 6 more transcripts); c.2060G>A, p.Gly687Asp (NM_001318832.2); c.2117G>A, p.Gly706Asp (NM_001406667.1, NM_001406668.1); c.2015G>A, p.Gly672Asp (NM_001406671.1, NM_001406673.1); c.683G>A, p.Gly228Asp (NM_001406689.1, NM_001406690.1, NM_001406691.1 and 6 more transcripts); and 3 more; short protein forms G142D, G627D, G639D, G672D, G676D, G706D, G476D, G522D.
Identifiers: ClinVar variation 4826341 (VCV004826341.1).
Genomic context (GRCh38, chr16:2,071,864, plus strand): 5'-AGAAGAAGACCAGCGGCCCCCTTTCTCCTCCCACAGGGCCTCCTGGCCCGGCGCCTGCAG[G>A]CCCCGCCGTGCGGCTGGGGTCCGTGCCCTACTCCCTGCTCTTCCGCGTCCTGCTGCAGTG-3'
Protein context (NP_000539.2, residues 666-686): PTGPPGPAPA[Gly676Asp]PAVRLGSVPY